The following is an entry in ClinVar:

ClinVar aggregate classification (germline): Likely benign. Review status: criteria provided, multiple submitters, no conflicts (2 of 4 stars). 3 submissions from 3 submitters: Likely benign (2). 1 of the submissions does not count toward it. Last evaluated 2025-12-15.

Conditions:
DISP1-related disorder. Also called: DISP1-related condition.

Allele frequency attached by ClinVar (database versions not stated): ESP Exome Variant Server 0.00008; gnomAD exomes 0.00020 and 0.00026; gnomAD 0.00025 and 0.00026; ExAC 0.00027; TOPMed 0.00032.
gnomAD v4.1: 343 of 1,614,174 alleles (0.021%); highest among the groups gnomAD compares: Middle Eastern, 0.066%; no homozygotes.

Submissions (3):

Labcorp Genetics (formerly Invitae), Labcorp
Classification: Likely benign. Last evaluated: 2025-12-15. Review status: criteria provided, single submitter. Criteria: Invitae Variant Classification Sherloc (09022015). Collection method: clinical testing. Allele origin: germline.

Blueprint Genetics
Classification: Likely benign. Last evaluated: 2024-10-16. Review status: criteria provided, single submitter. Criteria: ACMG Guidelines, 2015. Collection method: clinical testing. Allele origin: germline.

PreventionGenetics, part of Exact Sciences
Classification: Likely benign for DISP1-related condition. Last evaluated: 2024-02-13. Review status: no assertion criteria provided. Collection method: clinical testing. Allele origin: germline. Not counted in ClinVar's aggregate classification.
Comment: This variant is classified as likely benign based on ACMG/AMP sequence variant interpretation guidelines (Richards et al. 2015 PMID: 25741868, with internal and published modifications).

NM_001377229.1(DISP1):c.1773C>T (p.Ala591=)

Gene: DISP1 (dispatched RND transporter family member 1; plus strand). Cytogenetic location: 1q41.
Variant type: single nucleotide variant.
Coding change: c.1773C>T on transcript NM_001377229.1 (MANE Select); coding-DNA position 1773, C replaced by T.
Protein change: p.Ala591=; no amino-acid change (alanine 591 retained).
Molecular consequence: synonymous variant.
Genome position (GRCh38, 1-based): chr1:223,003,170, C>T. VCF-style: chr1-223003170-C-T. GRCh37 (hg19) VCF-style: chr1-223176512-C-T.
Other names: c.1044C>T, p.Ala348= (NM_001350630.2); c.1773C>T, p.Ala591= (NM_001369594.1, NM_001377228.1, NM_032890.5).
Identifiers: ClinVar variation 733975 (VCV000733975.12), dbSNP rs200623849, ClinGen allele CA1409116.